The following is an entry in ClinVar:

NM_007050.6(PTPRT):c.1434G>A (p.Val478=)

Gene: PTPRT (protein tyrosine phosphatase receptor type T; minus strand). Cytogenetic location: 20q12.
Variant type: single nucleotide variant.
Coding change: c.1434G>A on transcript NM_007050.6 (MANE Select); coding-DNA position 1434, G replaced by A.
Protein change: p.Val478=; no amino-acid change (valine 478 retained).
Molecular consequence: synonymous variant.
Genome position (GRCh38, 1-based): chr20:42,472,282, C>T on the plus strand (G>A on the coding strand, the complement: PTPRT is on the minus strand). VCF-style: chr20-42472282-C-T. GRCh37 (hg19) VCF-style: chr20-41100922-C-T.
Other names: c.1434G>A, p.Val478= (NM_133170.4).
Identifiers: ClinVar variation 782060 (VCV000782060.6), dbSNP rs41279250, ClinGen allele CA9864578.

ClinVar aggregate classification (germline): Benign. Review status: criteria provided, multiple submitters, no conflicts (2 of 4 stars). 3 submissions from 3 submitters: Benign (2). 1 of the submissions does not count toward it. Last evaluated 2017-08-29.

Conditions:
PTPRT-related disorder. Also called: PTPRT-related condition.

Allele frequency attached by ClinVar (database versions not stated): ExAC 0.00861; gnomAD 0.00797 and 0.00795; ESP Exome Variant Server 0.00830; 1000 Genomes Project 0.00459; TOPMed 0.00808; gnomAD exomes 0.00855; 1000 Genomes Project 30x 0.00437.
gnomAD v4.1: 15,269 of 1,614,038 alleles (0.95%); highest among the groups gnomAD compares: Middle Eastern, 1.7%; 107 homozygotes.

Submissions (3):

Labcorp Genetics (formerly Invitae), Labcorp
Classification: Benign. Last evaluated: 2017-08-29. Review status: criteria provided, single submitter. Criteria: Invitae Variant Classification Sherloc (09022015). Collection method: clinical testing. Allele origin: germline.

Breakthrough Genomics
Classification: Benign. Review status: criteria provided, single submitter. Criteria: ACMG Guidelines, 2015. Collection method: not provided. Allele origin: germline. Inheritance: Unknown mechanism. Affected: yes.

PreventionGenetics, part of Exact Sciences
Classification: Benign for PTPRT-related condition. Last evaluated: 2019-02-21. Review status: no assertion criteria provided. Collection method: clinical testing. Allele origin: germline. Not counted in ClinVar's aggregate classification.
Comment: This variant is classified as benign based on ACMG/AMP sequence variant interpretation guidelines (Richards et al. 2015 PMID: 25741868, with internal and published modifications).